The following is an entry in ClinVar:

NM_001399.5(EDA):c.-80G>T

Gene: EDA (ectodysplasin A; plus strand). Cytogenetic location: Xq13.1.
Variant type: single nucleotide variant.
Coding change: c.-80G>T on transcript NM_001399.5 (MANE Select); 80 bases upstream of the start codon, G replaced by T.
Molecular consequence: 5 prime UTR variant.
Genome position (GRCh38, 1-based): chrX:69,616,229, G>T. VCF-style: chrX-69616229-G-T. GRCh37 (hg19) VCF-style: chrX-68836073-G-T.
Other names: c.-80G>T (NM_001005609.2, NM_001005610.4, NM_001005612.3 and 1 more transcripts).
Identifiers: ClinVar variation 1334688 (VCV001334688.4), dbSNP rs2147196753, ClinGen allele CA2573055381.

ClinVar aggregate classification (germline): Uncertain significance (1 of 4 stars; one submission).

Submission:

Greenwood Genetic Center Diagnostic Laboratories, Greenwood Genetic Center
Classification: Uncertain significance. Last evaluated: 2021-12-06. Review status: criteria provided, single submitter. Criteria: ACMG Guidelines, 2015. Collection method: clinical testing. Allele origin: germline. Affected: yes.
Comment: PM2